The following is an entry in ClinVar:

ClinVar aggregate classification (germline): Uncertain significance (1 of 4 stars; one submission).

Conditions:
Candidiasis, familial, 9 (CANDF9). Identifiers: Orphanet 1334, MedGen C4225324, MONDO:0014642, OMIM 616445.

Submission:

Labcorp Genetics (formerly Invitae), Labcorp
Classification: Uncertain significance for Candidiasis, familial, 9. Last evaluated: 2025-03-24. Review status: criteria provided, single submitter. Criteria: Invitae Variant Classification Sherloc (09022015). Collection method: clinical testing. Allele origin: germline.
Comment: This sequence change replaces glycine, which is neutral and non-polar, with arginine, which is basic and polar, at codon 655 of the IL17RC protein (p.Gly655Arg). This variant is not present in population databases (gnomAD no frequency). This variant has not been reported in the literature in individuals affected with IL17RC-related conditions. An algorithm developed to predict the effect of missense changes on protein structure and function (PolyPhen-2) suggests that this variant is likely to be disruptive. In summary, the available evidence is currently insufficient to determine the role of this variant in disease. Therefore, it has been classified as a Variant of Uncertain Significance.

NM_153460.4(IL17RC):c.1750G>C (p.Gly584Arg)

Gene: IL17RC (interleukin 17 receptor C; plus strand). Cytogenetic location: 3p25.3.
Variant type: single nucleotide variant.
Coding change: c.1750G>C on transcript NM_153460.4 (MANE Select); coding-DNA position 1750, G replaced by C.
Protein change: p.Gly584Arg; replaces glycine 584 with arginine.
Molecular consequence: missense variant. On other transcripts: non-coding transcript variant (1).
Genome position (GRCh38, 1-based): chr3:9,933,180, G>C. VCF-style: chr3-9933180-G-C. GRCh37 (hg19) VCF-style: chr3-9974864-G-C.
Other names: c.1711G>C, p.Gly571Arg (NM_001203263.2); c.1660G>C, p.Gly554Arg (NM_001203264.2); c.1654G>C, p.Gly552Arg (NM_001203265.2); c.1672G>C, p.Gly558Arg (NM_001367278.1); c.1591G>C, p.Gly531Arg (NM_001367279.1); c.1666G>C, p.Gly556Arg (NM_001367280.1); c.1615G>C, p.Gly539Arg (NM_001410711.1); c.1705G>C, p.Gly569Arg (NM_032732.6); and 1 more; short protein forms G531R, G552R, G556R, G584R, G558R, G655R, G539R, G554R.
Identifiers: ClinVar variation 4768368 (VCV004768368.1).
Genomic context (GRCh38, chr3:9,933,180, plus strand): 5'-CACGCGCAGCGGCGCCAGACCCTGCAGGAGGGCGGCGTGGTGGTCTTGCTCTTCTCTCCC[G>C]GTGCGGTGGCGCTGTGCAGCGAGTGGCTACAGGATGGGGTGTCCGGGCCCGGGGCGCACG-3'
Protein context (NP_703190.2, residues 574-594): GGVVVLLFSP[Gly584Arg]AVALCSEWLQ